The following is an entry in ClinVar:

ClinVar aggregate classification (germline): Uncertain significance. Review status: criteria provided, multiple submitters, no conflicts (2 of 4 stars). 11 submissions from 9 submitters: Uncertain significance (9). 2 of the submissions do not count toward it. Last evaluated 2026-04-13.

Conditions:
Joubert syndrome. Also called: JOUBERT-BOLTSHAUSER SYNDROME; Familial aplasia of the vermis. Identifiers: Orphanet 475, MedGen C5979921, MONDO:0018772.
Meckel syndrome, type 5 (MKS5). Identifiers: Orphanet 564, MedGen C1969052, MONDO:0012695, OMIM 611561.
COACH syndrome 3. Identifiers: MedGen C5436841, MONDO:0030862, OMIM 619113.
Joubert syndrome 7 (JBTS7). Identifiers: Orphanet 220497, MedGen C1969053, MONDO:0012694, OMIM 611560.
Nephronophthisis 8. Identifiers: MedGen CN119610.
RPGRIP1L-related disorder. Also called: RPGRIP1L-related condition; RPGRIP1L-related disorders. Identifiers: MedGen CN239416.
Meckel-Gruber syndrome. Also called: DYSENCEPHALIA SPLANCHNOCYSTICA; GRUBER SYNDROME; Dysencephalia splachnocystica. Identifiers: Orphanet 564, MedGen C0265215, MONDO:0018921.
Retinal dystrophy. Also called: Inherited retinal dystrophy. Identifiers: Orphanet 71862, MedGen C0854723, MeSH D058499, MONDO:0019118, HP:0000556.

Allele frequency attached by ClinVar (database versions not stated): gnomAD exomes 0.00007 and 0.00009; ESP Exome Variant Server 0.00008; gnomAD 0.00008; TOPMed 0.00008; ExAC 0.00012.

Submissions (11):

PreventionGenetics, part of Exact Sciences
Classification: Uncertain significance for RPGRIP1L-related condition. Last evaluated: 2026-04-13. Review status: criteria provided, single submitter. Criteria: ACMG Guidelines, 2015. Collection method: clinical testing. Allele origin: germline.
Comment: The RPGRIP1L c.292G>A variant is predicted to result in the amino acid substitution p.Gly98Ser. To our knowledge, this variant has not been reported in the literature. This variant is reported in 0.016% of alleles in individuals of European (non-Finnish) descent in gnomAD. At this time, the clinical significance of this variant is uncertain due to the absence of conclusive functional and genetic evidence.

Blueprint Genetics
Classification: Uncertain significance. Last evaluated: 2024-10-28. Review status: criteria provided, single submitter. Criteria: ACMG Guidelines, 2015. Collection method: clinical testing. Allele origin: germline.

Fulgent Genetics
Classification: Uncertain significance for Joubert syndrome 7; Meckel syndrome, type 5; COACH syndrome 3. Last evaluated: 2024-05-23. Review status: criteria provided, single submitter. Criteria: ACMG Guidelines, 2015. Collection method: clinical testing. Allele origin: germline.

GeneDx
Classification: Uncertain significance. Last evaluated: 2022-10-06. Review status: criteria provided, single submitter. Criteria: GeneDx Variant Classification Process June 2021. Collection method: clinical testing. Allele origin: germline. Affected: yes.
Comment: In silico analysis supports that this missense variant does not alter protein structure/function; Has not been previously published as pathogenic or benign to our knowledge

Labcorp Genetics (formerly Invitae), Labcorp
Classification: Uncertain significance for Joubert syndrome; Meckel-Gruber syndrome. Last evaluated: 2022-08-22. Review status: criteria provided, single submitter. Criteria: Invitae Variant Classification Sherloc (09022015). Collection method: clinical testing. Allele origin: germline.
Comment: This sequence change replaces glycine, which is neutral and non-polar, with serine, which is neutral and polar, at codon 98 of the RPGRIP1L protein (p.Gly98Ser). This variant is present in population databases (rs202124667, gnomAD 0.02%). This variant has not been reported in the literature in individuals affected with RPGRIP1L-related conditions. ClinVar contains an entry for this variant (Variation ID: 808047). Algorithms developed to predict the effect of missense changes on protein structure and function are either unavailable or do not agree on the potential impact of this missense change (SIFT: "Tolerated"; PolyPhen-2: "Probably Damaging"; Align-GVGD: "Class C0"). Algorithms developed to predict the effect of sequence changes on RNA splicing suggest that this variant may create or strengthen a splice site. In summary, the available evidence is currently insufficient to determine the role of this variant in disease. Therefore, it has been classified as a Variant of Uncertain Significance.

Illumina Laboratory Services, Illumina
Classification: Uncertain significance for Joubert syndrome 7. Last evaluated: 2018-01-13. Review status: criteria provided, single submitter. Criteria: ICSL Variant Classification Criteria 13 December 2019. Collection method: clinical testing. Allele origin: germline.

Illumina Laboratory Services, Illumina
Classification: Uncertain significance for Nephronophthisis 8. Last evaluated: 2018-01-13. Review status: criteria provided, single submitter. Criteria: ICSL Variant Classification Criteria 13 December 2019. Collection method: clinical testing. Allele origin: germline.

Illumina Laboratory Services, Illumina
Classification: Uncertain significance for Meckel syndrome, type 5. Last evaluated: 2018-01-13. Review status: criteria provided, single submitter. Criteria: ICSL Variant Classification Criteria 13 December 2019. Collection method: clinical testing. Allele origin: germline.

CeGaT Center for Human Genetics Tuebingen
Classification: Uncertain significance. Last evaluated: 2016-07-01. Review status: criteria provided, single submitter. Criteria: CeGaT Center For Human Genetics Tuebingen Variant Classification Criteria Version 2. Collection method: clinical testing. Allele origin: germline. Affected: yes. Observed: 1 variant allele.

Institute of Human Genetics, Univ. Regensburg, Univ. Regensburg
Classification: Uncertain significance for Retinal dystrophy. Last evaluated: 2023-01-01. Review status: no assertion criteria provided. Criteria: ACMG Guidelines, 2015. Collection method: clinical testing. Allele origin: germline. Affected: yes. Not counted in ClinVar's aggregate classification.

Natera, Inc.
Classification: Uncertain significance for Joubert syndrome. Last evaluated: 2020-08-28. Review status: no assertion criteria provided. Collection method: clinical testing. Allele origin: germline. Not counted in ClinVar's aggregate classification.

NM_015272.5(RPGRIP1L):c.292G>A (p.Gly98Ser)

Gene: RPGRIP1L (RPGRIP1 like; minus strand). Cytogenetic location: 16q12.2.
Variant type: single nucleotide variant.
Coding change: c.292G>A on transcript NM_015272.5 (MANE Select); coding-DNA position 292, G replaced by A.
Protein change: p.Gly98Ser; replaces glycine 98 with serine.
Molecular consequence: missense variant.
Genome position (GRCh38, 1-based): chr16:53,692,303, C>T on the plus strand (G>A on the coding strand, the complement: RPGRIP1L is on the minus strand). VCF-style: chr16-53692303-C-T. GRCh37 (hg19) VCF-style: chr16-53726215-C-T.
Other names: c.292G>A, p.Gly98Ser (NM_001127897.4, NM_001308334.3, NM_001330538.2); c.292G>A (NM_015272.4); short protein forms G98S.
Identifiers: ClinVar variation 808047 (VCV000808047.54), dbSNP rs202124667, ClinGen allele CA8058142.
Genomic context (GRCh38, chr16:53,692,303, plus strand): 5'-TCTCTTGCAGCTGCTCAATCATTTCTTCCATTTCCACATCTCGTCCCAGCCGCTTGGGGC[C>T]GCCACCAACCCGCTCATATCTTTTCTTGTCATTAACTAGCCGTATTAACTTGGTGGCCAT-3'
Protein context (NP_056087.2, residues 88-108): DKKRYERVGG[Gly98Ser]PKRLGRDVEM